The following is an entry in ClinVar:

NM_001378452.1(ITPR1):c.6808+4G>A

Gene: ITPR1 (inositol 1,4,5-trisphosphate receptor type 1; plus strand). Cytogenetic location: 3p26.1.
Variant type: single nucleotide variant.
Coding change: c.6808+4G>A on transcript NM_001378452.1 (MANE Select); 4 bases into the intron after coding-DNA position 6808, G replaced by A.
Molecular consequence: intron variant.
Genome position (GRCh38, 1-based): chr3:4,788,143, G>A. VCF-style: chr3-4788143-G-A. GRCh37 (hg19) VCF-style: chr3-4829827-G-A.
Other names: c.6664+4G>A (NM_001099952.4); c.6763+4G>A (NM_001168272.2); c.6619+4G>A (NM_002222.7).
Identifiers: ClinVar variation 586053 (VCV000586053.8), dbSNP rs746724784, ClinGen allele CA2232668.
Genomic context (GRCh38, chr3:4,788,143, plus strand): 5'-TCTTTCTGCGGTCTGAAGACCTCTTCAATGAAATGAATTGGCAGAAGAAACTGAGAGGTG[G>A]GTTCCAACGCATCAGCAACAACACAGAGAGACACAGTTCTGGGATTTCACAAACTTGGGC-3'

ClinVar aggregate classification (germline): Uncertain significance. Review status: criteria provided, multiple submitters, no conflicts (2 of 4 stars). 2 submissions from 2 submitters: Uncertain significance (2). Last evaluated 2025-02-03.

Allele frequency attached by ClinVar (database versions not stated): gnomAD 0.00001; gnomAD exomes 0.00001; ExAC 0.00002.
gnomAD v4.1: 17 of 1,594,202 alleles (0.0011%); highest among the groups gnomAD compares: Admixed American, 0.0035%; no homozygotes.

Submissions (2):

Labcorp Genetics (formerly Invitae), Labcorp
Classification: Uncertain significance. Last evaluated: 2025-02-03. Review status: criteria provided, single submitter. Criteria: Invitae Variant Classification Sherloc (09022015). Collection method: clinical testing. Allele origin: germline.
Comment: This sequence change falls in intron 48 of the ITPR1 gene. It does not directly change the encoded amino acid sequence of the ITPR1 protein. It affects a nucleotide within the consensus splice site. The frequency data for this variant in the population databases is considered unreliable, as metrics indicate poor data quality at this position in the gnomAD database. This variant has not been reported in the literature in individuals affected with ITPR1-related conditions. ClinVar contains an entry for this variant (Variation ID: 586053). Variants that disrupt the consensus splice site are a relatively common cause of aberrant splicing (PMID: 17576681, 9536098). Algorithms developed to predict the effect of sequence changes on RNA splicing suggest that this variant is not likely to affect RNA splicing. In summary, the available evidence is currently insufficient to determine the role of this variant in disease. Therefore, it has been classified as a Variant of Uncertain Significance.

Athena Diagnostics
Classification: Uncertain significance. Last evaluated: 2018-05-29. Review status: criteria provided, single submitter. Criteria: Athena Diagnostics Criteria. Collection method: clinical testing. Allele origin: germline.

Literature cited by the submitters: PubMed 17576681 (cited by Labcorp Genetics (formerly Invitae), Labcorp); PubMed 9536098 (cited by Labcorp Genetics (formerly Invitae), Labcorp).